The following is an entry in ClinVar:

NM_007186.6(CEP250):c.3526GCCCAG[4] (p.1176AQ[4])

Gene: CEP250 (centrosomal protein 250; plus strand). Cytogenetic location: 20q11.22.
Variant type: Microsatellite.
Coding change: c.3526GCCCAG[4] on transcript NM_007186.6 (MANE Select); four copies in a row of the 6-base unit GCCCAG starting at c.3526; the reference has three copies in a row; one copy, 6 bases duplicated; also written c.3538_3543dup.
Protein change: p.1176AQ[4].
Molecular consequence: inframe insertion.
Genome position (GRCh38, 1-based): chr20:35,497,950-35,497,955, GCCCAG duplicated; duplicating any 6 consecutive bases within chr20:35,497,934-35,497,955 gives the same sequence; the position shown is the placement nearest the transcript's 3' end. VCF-style (leftmost placement, unchanged base first): chr20-35497933-A-ACCAGGC. GRCh37 (hg19) VCF-style: chr20-34085762-A-ACCAGGC.
Other names: p.Ala1180_Gln1181dup; c.3538_3543dup (NM_007186.6); c.1630GCCCAG[4], p.544AQ[4] (NM_001318219.1).
Identifiers: ClinVar variation 1168182 (VCV001168182.12), dbSNP rs561035032, ClinGen allele CA9833489.

ClinVar aggregate classification (germline): Conflicting classifications of pathogenicity. Review status: criteria provided, conflicting classifications (1 of 4 stars). 4 submissions from 4 submitters: Uncertain significance (1); Benign (1); Likely benign (1). 1 of the submissions does not count toward it. Last evaluated 2026-01-11.

Conditions:
Retinal dystrophy. Also called: Inherited retinal dystrophy. Identifiers: Orphanet 71862, MedGen C0854723, MeSH D058499, MONDO:0019118, HP:0000556.

Submissions (4):

Labcorp Genetics (formerly Invitae), Labcorp
Classification: Benign. Last evaluated: 2026-01-11. Review status: criteria provided, single submitter. Criteria: Invitae Variant Classification Sherloc (09022015). Collection method: clinical testing. Allele origin: germline.

Mayo Clinic Laboratories, Mayo Clinic
Classification: Uncertain significance. Last evaluated: 2025-03-26. Review status: criteria provided, single submitter. Criteria: ACMG Guidelines, 2015. Collection method: clinical testing. Allele origin: germline. Observed: 1 variant allele.
Comment: BP3, BP4, PM2_supporting

Blueprint Genetics
Classification: Likely benign. Last evaluated: 2024-11-22. Review status: criteria provided, single submitter. Criteria: ACMG Guidelines, 2015. Collection method: clinical testing. Allele origin: germline.

Institute of Human Genetics, Univ. Regensburg, Univ. Regensburg
Classification: Uncertain significance for Retinal dystrophy. Last evaluated: 2023-01-01. Review status: no assertion criteria provided. Criteria: ACMG Guidelines, 2015. Collection method: clinical testing. Allele origin: germline. Affected: yes. Not counted in ClinVar's aggregate classification.